The following is an entry in ClinVar:

ClinVar aggregate classification (germline): Uncertain significance (1 of 4 stars; one submission).

Conditions:
Ataxia-telangiectasia syndrome (AT). Also called: LOUIS-BAR SYNDROME; Ataxia-telangiectasia, complementation group D; ATAXIA-TELANGIECTASIA, COMPLEMENTATION GROUP A; ATAXIA-TELANGIECTASIA, FRESNO VARIANT; Ataxia-telangiectasia; Ataxia telangiectasia (A-T). Identifiers: Orphanet 100, MedGen C0004135, MONDO:0008840, OMIM 208900.

Submission:

Labcorp Genetics (formerly Invitae), Labcorp
Classification: Uncertain significance for Ataxia-telangiectasia syndrome. Last evaluated: 2023-02-14. Review status: criteria provided, single submitter. Criteria: Invitae Variant Classification Sherloc (09022015). Collection method: clinical testing. Allele origin: germline.
Comment: This variant is not present in population databases (gnomAD no frequency). In summary, the available evidence is currently insufficient to determine the role of this variant in disease. Therefore, it has been classified as a Variant of Uncertain Significance. Algorithms developed to predict the effect of missense changes on protein structure and function are either unavailable or do not agree on the potential impact of this missense change (SIFT: "Deleterious"; PolyPhen-2: "Benign"; Align-GVGD: "Class C0"). This variant has not been reported in the literature in individuals affected with ATM-related conditions. This sequence change replaces phenylalanine, which is neutral and non-polar, with valine, which is neutral and non-polar, at codon 1209 of the ATM protein (p.Phe1209Val).

NM_000051.4(ATM):c.3625T>G (p.Phe1209Val)

Gene: ATM (ATM serine/threonine kinase; plus strand). Cytogenetic location: 11q22.3.
Variant type: single nucleotide variant.
Coding change: c.3625T>G on transcript NM_000051.4 (MANE Select); coding-DNA position 3625, T replaced by G.
Protein change: p.Phe1209Val; replaces phenylalanine 1209 with valine.
Molecular consequence: missense variant.
Genome position (GRCh38, 1-based): chr11:108,282,758, T>G. VCF-style: chr11-108282758-T-G. GRCh37 (hg19) VCF-style: chr11-108153485-T-G.
Other names: c.3625T>G, p.Phe1209Val (NM_001351834.2); short protein forms F1209V.
Identifiers: ClinVar variation 2837342 (VCV002837342.3), dbSNP rs1555092334, ClinGen allele CA382522843.
Genomic context (GRCh38, chr11:108,282,758, plus strand): 5'-TGGTTCGTGCAGGTTTTAGAGAAAGTTTCTGAAACTTTTGGATATAGACGTTTAGAAGAC[T>G]TTATGGCATCTCATTTAGATTATCTGGTTTTGGAATGGCTAAATCTTCAAGATACTGAAT-3'
Protein context (NP_000042.3, residues 1199-1219): ETFGYRRLED[Phe1209Val]MASHLDYLVL